The following is an entry in ClinVar:

ClinVar aggregate classification (germline): Uncertain significance (0 of 4 stars; one submission).

Conditions:
L1CAM-related disorder. Also called: L1CAM-related condition.

Submission:

PreventionGenetics, part of Exact Sciences
Classification: Uncertain significance for L1CAM-related condition. Last evaluated: 2023-12-20. Review status: no assertion criteria provided. Collection method: clinical testing. Allele origin: germline.
Comment: The L1CAM c.3456A>C variant is not predicted to result in an amino acid change (p.=). This variant occurs two nucleotides away from the end of an exon and is predicted to disrupt splicing at the consensus donor site (SpliceAI, Jaganathan K, et al. 2019. PubMed ID: 30661751). To our knowledge, this variant has not been reported in the literature or in a large population database, indicating this variant is rare. Although we suspect that this variant may be pathogenic, at this time, the clinical significance of this variant is uncertain due to the absence of conclusive functional and genetic evidence.

NM_001278116.2(L1CAM):c.3456A>C (p.Ser1152=)

Gene: L1CAM (L1 cell adhesion molecule; minus strand). Cytogenetic location: Xq28.
Variant type: single nucleotide variant.
Coding change: c.3456A>C on transcript NM_001278116.2 (MANE Select); coding-DNA position 3456, A replaced by C.
Protein change: p.Ser1152=; no amino-acid change (serine 1152 retained).
Molecular consequence: synonymous variant.
Genome position (GRCh38, 1-based): chrX:153,863,884, T>G on the plus strand (A>C on the coding strand, the complement: L1CAM is on the minus strand). VCF-style: chrX-153863884-T-G. GRCh37 (hg19) VCF-style: chrX-153129339-T-G.
Other names: c.3456A>C, p.Ser1152= (NM_000425.5, NM_024003.3); c.3441A>C, p.Ser1147= (NM_001143963.2).
Identifiers: ClinVar variation 3050301 (VCV003050301.2), dbSNP rs2520960402, ClinGen allele CA519201046.
Genomic context (GRCh38, chrX:153,863,884, plus strand): 5'-GGCGAGGTGCTCCTCTCTGCCCTCGGCTCCACCCCCGTCACGTGGGGCTCAGAGGCTACC[T>G]GAGTATTTGCCGCCCTTGCTGCGCTTGATGAAGCAGAGGATGAGCAGGACGAGGAGCAGG-3'
Protein context (NP_001265045.1, residues 1142-1162): FIKRSKGGKY[Ser1152=]VKDKEDTQVD